The following is an entry in ClinVar:

NM_152703.5(SAMD9L):c.1081G>A (p.Val361Ile)

Gene: SAMD9L (sterile alpha motif domain containing 9 like; minus strand). Cytogenetic location: 7q21.2.
Variant type: single nucleotide variant.
Coding change: c.1081G>A on transcript NM_152703.5 (MANE Select); coding-DNA position 1081, G replaced by A.
Protein change: p.Val361Ile; replaces valine 361 with isoleucine.
Molecular consequence: missense variant.
Genome position (GRCh38, 1-based): chr7:93,134,891, C>T on the plus strand (G>A on the coding strand, the complement: SAMD9L is on the minus strand). VCF-style: chr7-93134891-C-T. GRCh37 (hg19) VCF-style: chr7-92764204-C-T.
Other names: c.1081G>A, p.Val361Ile (NM_001303496.3, NM_001303497.3, NM_001303498.3 and 5 more transcripts); short protein forms V361I.
Identifiers: ClinVar variation 871431 (VCV000871431.46), dbSNP rs140764553, ClinGen allele CA4343766.

ClinVar aggregate classification (germline): Conflicting classifications of pathogenicity. Review status: criteria provided, conflicting classifications (1 of 4 stars). 3 submissions from 3 submitters: Uncertain significance (2); Likely benign (1). Last evaluated 2024-10-01.

Allele frequency attached by ClinVar (database versions not stated): ExAC 0.00002; TOPMed 0.00008; gnomAD 0.00009; ESP Exome Variant Server 0.00023.
gnomAD v4.1: 21 of 1,614,020 alleles (0.0013%); highest among the groups gnomAD compares: African/African-American, 0.027%; no homozygotes.

Submissions (3):

CeGaT Center for Human Genetics Tuebingen
Classification: Uncertain significance. Last evaluated: 2024-10-01. Review status: criteria provided, single submitter. Criteria: CeGaT Center For Human Genetics Tuebingen Variant Classification Criteria Version 2. Collection method: clinical testing. Allele origin: germline. Affected: yes. Observed: 2 variant alleles.
Comment: SAMD9L: PM2:Supporting, BP4

Labcorp Genetics (formerly Invitae), Labcorp
Classification: Uncertain significance. Last evaluated: 2024-07-31. Review status: criteria provided, single submitter. Criteria: Invitae Variant Classification Sherloc (09022015). Collection method: clinical testing. Allele origin: germline.
Comment: This sequence change replaces valine, which is neutral and non-polar, with isoleucine, which is neutral and non-polar, at codon 361 of the SAMD9L protein (p.Val361Ile). This variant is present in population databases (rs140764553, gnomAD 0.03%). This variant has not been reported in the literature in individuals affected with SAMD9L-related conditions. ClinVar contains an entry for this variant (Variation ID: 871431). An algorithm developed to predict the effect of missense changes on protein structure and function outputs the following: PolyPhen-2: "Benign". The isoleucine amino acid residue is found in multiple mammalian species, which suggests that this missense change does not adversely affect protein function. In summary, the available evidence is currently insufficient to determine the role of this variant in disease. Therefore, it has been classified as a Variant of Uncertain Significance.

Blueprint Genetics
Classification: Likely benign. Last evaluated: 2022-07-16. Review status: criteria provided, single submitter. Criteria: ACMG Guidelines, 2015. Collection method: clinical testing. Allele origin: germline.